The following is an entry in ClinVar:

ClinVar aggregate classification (germline): Uncertain significance (1 of 4 stars; one submission).

Submission:

Labcorp Genetics (formerly Invitae), Labcorp
Classification: Uncertain significance. Last evaluated: 2023-07-04. Review status: criteria provided, single submitter. Criteria: Invitae Variant Classification Sherloc (09022015). Collection method: clinical testing. Allele origin: germline.
Comment: This variant occurs in a non-coding region of the OVOL2 gene. It does not change the encoded amino acid sequence of the OVOL2 protein. This variant is not present in population databases (gnomAD no frequency). This variant has not been reported in the literature in individuals affected with OVOL2-related conditions. Experimental studies and prediction algorithms are not available or were not evaluated, and the functional significance of this variant is currently unknown. In summary, the available evidence is currently insufficient to determine the role of this variant in disease. Therefore, it has been classified as a Variant of Uncertain Significance.

NC_000020.11:g.18057988C>G

Gene: OVOL2 (ovo like zinc finger 2; minus strand). Cytogenetic location: 20p11.23.
Variant type: single nucleotide variant.
Molecular consequence: intron variant (on NM_001303462.1).
Genome position: GRCh38 VCF-style: chr20-18057988-C-G. GRCh37 (hg19) VCF-style: chr20-18038632-C-G.
Other names: c.-76+1092G>C (NM_001303462.1); c.-297+902G>C (NM_001303461.1).
Identifiers: ClinVar variation 2871645 (VCV002871645.3), dbSNP rs2514640431, ClinGen allele CA2652018699.